The following is an entry in ClinVar:

NM_001252024.2(TRPM1):c.*549T>C

Gene: TRPM1 (transient receptor potential cation channel subfamily M member 1; minus strand). Cytogenetic location: 15q13.3.
Variant type: single nucleotide variant.
Coding change: c.*549T>C on transcript NM_001252024.2 (MANE Select); 549 bases downstream of the stop codon, T replaced by C.
Molecular consequence: 3 prime UTR variant.
Genome position (GRCh38, 1-based): chr15:31,001,273, A>G on the plus strand (T>C on the coding strand, the complement: TRPM1 is on the minus strand). VCF-style: chr15-31001273-A-G. GRCh37 (hg19) VCF-style: chr15-31293476-A-G.
Other names: c.*549T>C (NM_001252020.2, NM_002420.6).
Identifiers: ClinVar variation 888458 (VCV000888458.4), dbSNP rs112061822, ClinGen allele CA267495667.

ClinVar aggregate classification (germline): Benign (1 of 4 stars; one submission).

Conditions:
Congenital stationary night blindness 1C. Also called: Night blindness, congenital stationary (complete), 1C, autosomal recessive. Identifiers: Orphanet 215, MedGen C2750747, MONDO:0013183, OMIM 613216.

Allele frequency attached by ClinVar (database versions not stated): 1000 Genomes Project 30x 0.00437; 1000 Genomes Project 0.00499; TOPMed 0.00534.

Submission:

Illumina Laboratory Services, Illumina
Classification: Benign for Congenital stationary night blindness 1C. Last evaluated: 2018-01-13. Review status: criteria provided, single submitter. Criteria: ICSL Variant Classification Criteria 13 December 2019. Collection method: clinical testing. Allele origin: germline.
Comment: This variant was observed in the ICSL laboratory as part of a predisposition screen in an ostensibly healthy population. It had not been previously curated by ICSL or reported in the Human Gene Mutation Database (HGMD: prior to June 1st, 2018), and was therefore a candidate for classification through an automated scoring system. Utilizing variant allele frequency, disease prevalence and penetrance estimates, and inheritance mode, an automated score was calculated to assess if this variant is too frequent to cause the disease. Based on the score and internal cut-off values, a variant classified as benign is not then subjected to further curation. The score for this variant resulted in a classification of benign for this disease.